The following is an entry in ClinVar:

NM_007294.4(BRCA1):c.5571G>C (p.Gln1857His)

Gene: BRCA1 (BRCA1 DNA repair associated; minus strand). Cytogenetic location: 17q21.31.
Variant type: single nucleotide variant.
Coding change: c.5571G>C on transcript NM_007294.4 (MANE Select); coding-DNA position 5571, G replaced by C.
Protein change: p.Gln1857His; replaces glutamine 1857 with histidine.
Molecular consequence: missense variant. On other transcripts: 3 prime UTR variant (1), non-coding transcript variant (1).
Genome position (GRCh38, 1-based): chr17:43,045,699, C>G on the plus strand (G>C on the coding strand, the complement: BRCA1 is on the minus strand). VCF-style: chr17-43045699-C-G. GRCh37 (hg19) VCF-style: chr17-41197716-C-G.
Other names: c.5562G>C, p.Gln1854His (NM_001407644.1, NM_001407645.1); c.5559G>C, p.Gln1853His (NM_001407646.1); c.5556G>C, p.Gln1852His (NM_001407647.1); c.5514G>C, p.Gln1838His (NM_001407648.1); c.5511G>C, p.Gln1837His (NM_001407649.1); c.5493G>C, p.Gln1831His (NM_001407652.1, NM_001407653.1, NM_001407654.1 and 1 more transcripts); c.5490G>C, p.Gln1830His (NM_001407656.1, NM_001407657.1, NM_001407658.1); c.5487G>C, p.Gln1829His (NM_001407659.1, NM_001407660.1, NM_001407661.1 and 2 more transcripts); and 74 more; short protein forms Q1857H, Q1810H, Q1878H, Q753H, Q1688H, Q1746H, Q1785H, Q1786H.
Identifiers: ClinVar variation 185265 (VCV000185265.8), dbSNP rs28897699, ClinGen allele CA003725.

ClinVar aggregate classification (germline): Uncertain significance. Review status: criteria provided, multiple submitters, no conflicts (2 of 4 stars). 2 submissions from 2 submitters: Uncertain significance (2). Last evaluated 2026-01-09.

Conditions:
Hereditary cancer-predisposing syndrome. Also called: Hereditary neoplastic syndrome; Neoplastic Syndromes, Hereditary; Tumor predisposition; Hereditary Cancer Syndrome. Identifiers: Orphanet 140162, MedGen C0027672, MeSH D009386, MONDO:0015356.
Hereditary breast ovarian cancer syndrome. Also called: Hereditary breast and ovarian cancer syndrome (HBOC); Breast and ovarian cancer; Hereditary breast and/or ovarian cancer syndrome; BRCA1- and BRCA2-Associated Hereditary Breast and Ovarian Cancer; Hereditary breast and ovarian cancer syndrome; Hereditary breast and ovarian cancer. Identifiers: Orphanet 145, MedGen C0677776, MeSH D061325, MONDO:0003582. Disease mechanism: loss of function.

Submissions (2):

Labcorp Genetics (formerly Invitae), Labcorp
Classification: Uncertain significance for Hereditary breast ovarian cancer syndrome. Last evaluated: 2026-01-09. Review status: criteria provided, single submitter. Criteria: Invitae Variant Classification Sherloc (09022015). Collection method: clinical testing. Allele origin: germline.
Comment: This sequence change replaces glutamine, which is neutral and polar, with histidine, which is basic and polar, at codon 1857 of the BRCA1 protein (p.Gln1857His). This variant is not present in population databases (gnomAD no frequency). This variant has not been reported in the literature in individuals affected with BRCA1-related conditions. ClinVar contains an entry for this variant (Variation ID: 185265). Invitae Evidence Modeling of protein sequence and biophysical properties (such as structural, functional, and spatial information, amino acid conservation, physicochemical variation, residue mobility, and thermodynamic stability) indicates that this missense variant is not expected to disrupt BRCA1 protein function with a negative predictive value of 95%. In summary, the available evidence is currently insufficient to determine the role of this variant in disease. Therefore, it has been classified as a Variant of Uncertain Significance.

Ambry Genetics
Classification: Uncertain significance for Hereditary cancer-predisposing syndrome. Last evaluated: 2025-10-23. Review status: criteria provided, single submitter. Criteria: Ambry Variant Classification Scheme 2023. Collection method: clinical testing. Allele origin: germline.
Comment: The p.Q1857H variant (also known as c.5571G>C), located in coding exon 22 of the BRCA1 gene, results from a G to C substitution at nucleotide position 5571. The glutamine at codon 1857 is replaced by histidine, an amino acid with highly similar properties. This amino acid position is well conserved in available vertebrate species. In addition, the in silico prediction for this alteration is inconclusive. Since supporting evidence is limited at this time, the clinical significance of this alteration remains unclear.